The following is an entry in ClinVar:

NM_000419.5(ITGA2B):c.1232dup (p.Tyr411Ter)

Gene: ITGA2B (integrin subunit alpha 2b; minus strand). Cytogenetic location: 17q21.31.
Variant type: Duplication.
Coding change: c.1232dup on transcript NM_000419.5 (MANE Select); coding-DNA position 1232, one base duplicated (A; older notation c.1232dupA).
Protein change: p.Tyr411Ter; replaces tyrosine 411 with a stop codon.
Molecular consequence: nonsense.
Genome position (GRCh38, 1-based): chr17:44,381,040, T duplicated on the plus strand (A on the coding strand, the reverse complement: ITGA2B is on the minus strand). VCF-style (leftmost placement, unchanged base first): chr17-44381039-G-GT. GRCh37 (hg19) VCF-style: chr17-42458407-G-GT.
Other names: short protein forms Y411*.
Identifiers: ClinVar variation 1210178 (VCV001210178.1), dbSNP rs2143465421, ClinGen allele CA915940593.
Genomic context (GRCh38, chr17:44,381,039, plus strand): 5'-CCTCAGCCCCTCACTCTGACCCAGGAACACCAGCACTTGGCCCCGGCCACTGGGACCCCC[G>GT]TAGGGGGCAGCCACTGCAATGTCTGGAAGGAGTAACAGAAAGGAAGTGGCTGATTGTTAT-3'

ClinVar aggregate classification (germline): Pathogenic (3 of 4 stars; one submission).

Conditions:
Glanzmann thrombasthenia. Also called: BLEEDING DISORDER, PLATELET-TYPE, 2; THROMBASTHENIA OF GLANZMANN AND NAEGELI; PLATELET GLYCOPROTEIN IIb-IIIa DEFICIENCY; Thrombasthenia; Glanzmann's thrombasthenia. Identifiers: Orphanet 849, MedGen C0040015, MONDO:0100326.

Submission:

ClinGen Platelet Disorders Variant Curation Expert Panel, ClinGen
Classification: Pathogenic for Glanzmann thrombasthenia. Last evaluated: 2021-04-20. Review status: reviewed by expert panel. Criteria: ClinGen Platelet ACMG Specifications v2. Collection method: curation. Allele origin: germline. Inheritance: Autosomal recessive inheritance.
Comment: The ITGA2B nonsense variant NM_000419.5:c.1232dup (p.Tyr411Ter) is expected to introduce a premature termination codon and the resulting mRNA product is predicted to undergo nonsense mediated decay, leading to loss of normal protein function. This variant has been observed in heterozygosity in one individual with a phenotype specific for Glanzmann's thrombasthenia (GT) in trans with ITGA2B variant c.985G>T (p.Val329Phe) (Patient M, PMID: 12424194). Furthermore, this variant is absent from population databases. In summary, this variant meets criteria to be classified as pathogenic for GT. GT-specific criteria applied: PVS1, PM2_supporting, PP4_moderate.